The following is an entry in ClinVar:

ClinVar aggregate classification (germline): Uncertain significance. Review status: criteria provided, multiple submitters, no conflicts (2 of 4 stars). 2 submissions from 2 submitters: Uncertain significance (2). Last evaluated 2024-01-11.

Conditions:
Osteogenesis imperfecta type 8 (OI8). Identifiers: MedGen C1970458, MONDO:0012581, OMIM 610915.

Allele frequency attached by ClinVar (database versions not stated): gnomAD exomes below 0.00001.

Submissions (2):

Women's Health and Genetics/Laboratory Corporation of America, LabCorp
Classification: Uncertain significance. Last evaluated: 2024-01-11. Review status: criteria provided, single submitter. Criteria: LabCorp Variant Classification Summary - May 2015. Collection method: clinical testing. Allele origin: germline.

Labcorp Genetics (formerly Invitae), Labcorp
Classification: Uncertain significance for Osteogenesis imperfecta type 8. Last evaluated: 2023-12-22. Review status: criteria provided, single submitter. Criteria: Invitae Variant Classification Sherloc (09022015). Collection method: clinical testing. Allele origin: germline.
Comment: This sequence change falls in intron 5 of the P3H1 gene. It does not directly change the encoded amino acid sequence of the P3H1 protein. It affects a nucleotide within the consensus splice site. This variant is present in population databases (no rsID available, gnomAD 0.003%). This variant has not been reported in the literature in individuals affected with P3H1-related conditions. ClinVar contains an entry for this variant (Variation ID: 2418751). Variants that disrupt the consensus splice site are a relatively common cause of aberrant splicing (PMID: 17576681, 9536098). Algorithms developed to predict the effect of sequence changes on RNA splicing suggest that this variant is not likely to affect RNA splicing. In summary, the available evidence is currently insufficient to determine the role of this variant in disease. Therefore, it has been classified as a Variant of Uncertain Significance.

Literature cited by the submitters: PubMed 17576681 (cited by Labcorp Genetics (formerly Invitae), Labcorp); PubMed 9536098 (cited by Labcorp Genetics (formerly Invitae), Labcorp).

NM_022356.4(P3H1):c.1080+3G>C

Gene: P3H1 (prolyl 3-hydroxylase 1; minus strand). Cytogenetic location: 1p34.2.
Variant type: single nucleotide variant.
Coding change: c.1080+3G>C on transcript NM_022356.4 (MANE Select); 3 bases into the intron after coding-DNA position 1080, G replaced by C.
Molecular consequence: intron variant.
Genome position (GRCh38, 1-based): chr1:42,757,780, C>G on the plus strand (G>C on the coding strand, the complement: P3H1 is on the minus strand). VCF-style: chr1-42757780-C-G. GRCh37 (hg19) VCF-style: chr1-43223451-C-G.
Other names: c.1080+3G>C (NM_001146289.2, NM_001243246.2).
Identifiers: ClinVar variation 2418751 (VCV002418751.7), dbSNP rs1351333925, ClinGen allele CA522494618.
Genomic context (GRCh38, chr1:42,757,780, plus strand): 5'-CACTCTTCCGCCCTCAGGTCTGAGTTCAGCTGGCAGCTGTCATAACAGAAGGAAGTCTCT[C>G]ACCTCACGGGGGCCGATGGATCTGGTGTGTTCTTCTCCAAGCATAGCTGCATAATAGGCC-3'